The following is an entry in ClinVar:

ClinVar aggregate classification (germline): Likely benign (0 of 4 stars; one submission).

Conditions:
RARB-related disorder. Also called: RARB-related condition.

Allele frequency attached by ClinVar (database versions not stated): 1000 Genomes Project 30x 0.00047; 1000 Genomes Project 0.00060; gnomAD 0.00064; ExAC 0.00068; TOPMed 0.00074; ESP Exome Variant Server 0.00077.
gnomAD v4.1: 1,570 of 1,574,862 alleles (0.1%); highest among the groups gnomAD compares: Non-Finnish European, 0.12%; no homozygotes.

Submission:

PreventionGenetics, part of Exact Sciences
Classification: Likely benign for RARB-related condition. Last evaluated: 2020-01-22. Review status: no assertion criteria provided. Collection method: clinical testing. Allele origin: germline.
Comment: This variant is classified as likely benign based on ACMG/AMP sequence variant interpretation guidelines (Richards et al. 2015 PMID: 25741868, with internal and published modifications).

NM_000965.5(RARB):c.*4A>G

Gene: RARB (retinoic acid receptor beta; plus strand). Cytogenetic location: 3p24.2.
Variant type: single nucleotide variant.
Coding change: c.*4A>G on transcript NM_000965.5 (MANE Select); 4 bases downstream of the stop codon, A replaced by G.
Molecular consequence: 3 prime UTR variant. On other transcripts: non-coding transcript variant (2).
Genome position (GRCh38, 1-based): chr3:25,596,620, A>G. VCF-style: chr3-25596620-A-G. GRCh37 (hg19) VCF-style: chr3-25638111-A-G.
Other names: c.*4A>G (NM_001290216.3, NM_001290217.2, NM_001290266.2 and 4 more transcripts).
Identifiers: ClinVar variation 3051901 (VCV003051901.2), dbSNP rs150640333, ClinGen allele CA2287918.